The following is an entry in ClinVar:

NM_001009944.3(PKD1):c.1174G>A (p.Val392Met)

Gene: PKD1 (polycystin 1, transient receptor potential channel interacting; minus strand). Cytogenetic location: 16p13.3.
Variant type: single nucleotide variant.
Coding change: c.1174G>A on transcript NM_001009944.3 (MANE Select); coding-DNA position 1174, G replaced by A.
Protein change: p.Val392Met; replaces valine 392 with methionine.
Molecular consequence: missense variant.
Genome position (GRCh38, 1-based): chr16:2,117,818, C>T on the plus strand (G>A on the coding strand, the complement: PKD1 is on the minus strand). VCF-style: chr16-2117818-C-T. GRCh37 (hg19) VCF-style: chr16-2167819-C-T.
Other names: c.1174G>A, p.Val392Met (NM_000296.4); short protein forms V392M.
Identifiers: ClinVar variation 4987294 (VCV004987294.1).

ClinVar aggregate classification (germline): Uncertain significance (1 of 4 stars; one submission).

Conditions:
PKD1-related disorder. Also called: PKD1-related condition.

Submission:

PreventionGenetics, part of Exact Sciences
Classification: Uncertain significance for PKD1-related condition. Last evaluated: 2025-06-10. Review status: criteria provided, single submitter. Criteria: ACMG Guidelines, 2015. Collection method: clinical testing. Allele origin: germline.
Comment: The PKD1 c.1174G>A variant is predicted to result in the amino acid substitution p.Val392Met. To our knowledge, this variant has not been reported in the literature. This variant is reported in 0.0034% of alleles in individuals of European (Non-Finnish) descent in gnomAD. At this time, the clinical significance of this variant is uncertain due to the absence of conclusive functional and genetic evidence.